The following is an entry in ClinVar:

NM_004304.5(ALK):c.4786G>T (p.Ala1596Ser)

Gene: ALK (ALK receptor tyrosine kinase; minus strand). Cytogenetic location: 2p23.2.
Variant type: single nucleotide variant.
Coding change: c.4786G>T on transcript NM_004304.5 (MANE Select); coding-DNA position 4786, G replaced by T.
Protein change: p.Ala1596Ser; replaces alanine 1596 with serine.
Molecular consequence: missense variant.
Genome position (GRCh38, 1-based): chr2:29,193,301, C>A on the plus strand (G>T on the coding strand, the complement: ALK is on the minus strand). VCF-style: chr2-29193301-C-A. GRCh37 (hg19) VCF-style: chr2-29416167-C-A.
Other names: c.1582G>T, p.Ala528Ser (NM_001353765.2); short protein forms A528S, A1596S.
Identifiers: ClinVar variation 2562270 (VCV002562270.4), dbSNP rs748822593, ClinGen allele CA346460232.

ClinVar aggregate classification (germline): Uncertain significance. Review status: criteria provided, multiple submitters, no conflicts (2 of 4 stars). 2 submissions from 2 submitters: Uncertain significance (2). Last evaluated 2024-10-30.

Conditions:
Hereditary cancer-predisposing syndrome. Also called: Tumor predisposition; Hereditary neoplastic syndrome; Neoplastic Syndromes, Hereditary; Hereditary Cancer Syndrome. Identifiers: Orphanet 140162, MedGen C0027672, MeSH D009386, MONDO:0015356.
Neuroblastoma, susceptibility to, 3. Also called: ALK-Related Neuroblastic Tumor Susceptibility. Identifiers: Orphanet 635, MedGen C2751681, MONDO:0013083, OMIM 613014.

Submissions (2):

Labcorp Genetics (formerly Invitae), Labcorp
Classification: Uncertain significance for Neuroblastoma, susceptibility to, 3. Last evaluated: 2024-10-30. Review status: criteria provided, single submitter. Criteria: Invitae Variant Classification Sherloc (09022015). Collection method: clinical testing. Allele origin: germline.
Comment: This sequence change replaces alanine, which is neutral and non-polar, with serine, which is neutral and polar, at codon 1596 of the ALK protein (p.Ala1596Ser). This variant is not present in population databases (gnomAD no frequency). This variant has not been reported in the literature in individuals affected with ALK-related conditions. ClinVar contains an entry for this variant (Variation ID: 2562270). An algorithm developed to predict the effect of missense changes on protein structure and function (PolyPhen-2) suggests that this variant is likely to be tolerated. In summary, the available evidence is currently insufficient to determine the role of this variant in disease. Therefore, it has been classified as a Variant of Uncertain Significance.

Ambry Genetics
Classification: Uncertain significance for Hereditary cancer-predisposing syndrome. Last evaluated: 2023-04-18. Review status: criteria provided, single submitter. Criteria: Ambry Variant Classification Scheme 2023. Collection method: clinical testing. Allele origin: germline.
Comment: The p.A1596S variant (also known as c.4786G>T), located in coding exon 29 of the ALK gene, results from a G to T substitution at nucleotide position 4786. The alanine at codon 1596 is replaced by serine, an amino acid with similar properties. This amino acid position is conserved. In addition, this alteration is predicted to be tolerated by in silico analysis. Since supporting evidence is limited at this time, the clinical significance of this alteration remains unclear.